The following is an entry in ClinVar:

NM_004813.4(PEX16):c.488A>G (p.Glu163Gly)

Gene: PEX16 (peroxisomal biogenesis factor 16; minus strand). Cytogenetic location: 11p11.2.
Variant type: single nucleotide variant.
Coding change: c.488A>G on transcript NM_004813.4 (MANE Select); coding-DNA position 488, A replaced by G.
Protein change: p.Glu163Gly; replaces glutamic acid 163 with glycine.
Molecular consequence: missense variant.
Genome position (GRCh38, 1-based): chr11:45,914,657, T>C on the plus strand (A>G on the coding strand, the complement: PEX16 is on the minus strand). VCF-style: chr11-45914657-T-C. GRCh37 (hg19) VCF-style: chr11-45936208-T-C.
Other names: c.488A>G, p.Glu163Gly (NM_057174.3); short protein forms E163G.
Identifiers: ClinVar variation 2108904 (VCV002108904.4), dbSNP rs2494898658, ClinGen allele CA380227398.

ClinVar aggregate classification (germline): Uncertain significance (1 of 4 stars; one submission).

Conditions:
Peroxisome biogenesis disorder. Identifiers: Orphanet 79189, MedGen C1832200, MONDO:0019234. Disease mechanism: loss of function.

Submission:

Labcorp Genetics (formerly Invitae), Labcorp
Classification: Uncertain significance for Peroxisome biogenesis disorder. Last evaluated: 2022-06-16. Review status: criteria provided, single submitter. Criteria: Invitae Variant Classification Sherloc (09022015). Collection method: clinical testing. Allele origin: germline.
Comment: This variant is not present in population databases (gnomAD no frequency). This sequence change replaces glutamic acid, which is acidic and polar, with glycine, which is neutral and non-polar, at codon 163 of the PEX16 protein (p.Glu163Gly). This variant has not been reported in the literature in individuals affected with PEX16-related conditions. In summary, the available evidence is currently insufficient to determine the role of this variant in disease. Therefore, it has been classified as a Variant of Uncertain Significance. Algorithms developed to predict the effect of missense changes on protein structure and function (SIFT, PolyPhen-2, Align-GVGD) all suggest that this variant is likely to be tolerated.